The following is an entry in ClinVar:

ClinVar aggregate classification (germline): Uncertain significance. Review status: criteria provided, multiple submitters, no conflicts (2 of 4 stars). 2 submissions from 2 submitters: Uncertain significance (2). Last evaluated 2025-01-01.

Conditions:
Hypertrophic cardiomyopathy. Also called: HYPERTROPHIC MYOCARDIOPATHY. Identifiers: Orphanet 217569, MedGen C0007194, MeSH D002312, MONDO:0005045, HP:0001639.

gnomAD v4.1: 1 of 1,601,814 alleles (0.000062%); highest among the groups gnomAD compares: African/African-American, 0.0013%; no homozygotes.

Submissions (2):

Labcorp Genetics (formerly Invitae), Labcorp
Classification: Uncertain significance for Hypertrophic cardiomyopathy. Last evaluated: 2025-01-01. Review status: criteria provided, single submitter. Criteria: Invitae Variant Classification Sherloc (09022015). Collection method: clinical testing. Allele origin: germline.
Comment: This sequence change replaces glycine, which is neutral and non-polar, with arginine, which is basic and polar, at codon 1587 of the MYOM1 protein (p.Gly1587Arg). This variant is not present in population databases (gnomAD no frequency). This variant has not been reported in the literature in individuals affected with MYOM1-related conditions. ClinVar contains an entry for this variant (Variation ID: 1742875). Invitae Evidence Modeling of protein sequence and biophysical properties (such as structural, functional, and spatial information, amino acid conservation, physicochemical variation, residue mobility, and thermodynamic stability) has been performed for this missense variant. However, the output from this modeling did not meet the statistical confidence thresholds required to predict the impact of this variant on MYOM1 protein function. In summary, the available evidence is currently insufficient to determine the role of this variant in disease. Therefore, it has been classified as a Variant of Uncertain Significance.

Ambry Genetics
Classification: Uncertain significance. Last evaluated: 2022-10-07. Review status: criteria provided, single submitter. Criteria: Ambry Variant Classification Scheme 2023. Collection method: clinical testing. Allele origin: germline.
Comment: The p.G1587R variant (also known as c.4759G>A), located in coding exon 36 of the MYOM1 gene, results from a G to A substitution at nucleotide position 4759. The glycine at codon 1587 is replaced by arginine, an amino acid with dissimilar properties. This amino acid position is conserved. In addition, this alteration is predicted to be deleterious by in silico analysis. Since supporting evidence is limited at this time, the clinical significance of this alteration remains unclear.

NM_003803.4(MYOM1):c.4759G>A (p.Gly1587Arg)

Gene: MYOM1 (myomesin 1; minus strand). Cytogenetic location: 18p11.31.
Variant type: single nucleotide variant.
Coding change: c.4759G>A on transcript NM_003803.4 (MANE Select); coding-DNA position 4759, G replaced by A.
Protein change: p.Gly1587Arg; replaces glycine 1587 with arginine.
Molecular consequence: missense variant.
Genome position (GRCh38, 1-based): chr18:3,071,839, C>T on the plus strand (G>A on the coding strand, the complement: MYOM1 is on the minus strand). VCF-style: chr18-3071839-C-T. GRCh37 (hg19) VCF-style: chr18-3071837-C-T.
Other names: c.4471G>A, p.Gly1491Arg (NM_019856.2); short protein forms G1491R, G1587R.
Identifiers: ClinVar variation 1742875 (VCV001742875.4), dbSNP rs2510448074, ClinGen allele CA401706259.
Genomic context (GRCh38, chr18:3,071,839, plus strand): 5'-GCTGGAACCTGTTCATAGTGCAGAAGGAGCAGGCACAGGCAGGCTTCATGCTTACCTTCC[C>T]CTCCTGGATGGTGACCACGTCTGGGAGACCTCCCAACACCCGGGCACGATCTGCAAGCAT-3'
Protein context (NP_003794.3, residues 1577-1597): GLPDVVTIQE[Gly1587Arg]KALNLTCNVW